The following is an entry in ClinVar:

NM_004104.5(FASN):c.3089T>C (p.Met1030Thr)

Gene: FASN (fatty acid synthase; minus strand). Cytogenetic location: 17q25.3.
Variant type: single nucleotide variant.
Coding change: c.3089T>C on transcript NM_004104.5 (MANE Select); coding-DNA position 3089, T replaced by C.
Protein change: p.Met1030Thr; replaces methionine 1030 with threonine.
Molecular consequence: missense variant.
Genome position (GRCh38, 1-based): chr17:82,087,459, A>G on the plus strand (T>C on the coding strand, the complement: FASN is on the minus strand). VCF-style: chr17-82087459-A-G. GRCh37 (hg19) VCF-style: chr17-80045335-A-G.
Other names: short protein forms M1030T.
Identifiers: ClinVar variation 2777152 (VCV002777152.3), dbSNP rs1398277833, ClinGen allele CA401554813.

ClinVar aggregate classification (germline): Uncertain significance (1 of 4 stars; one submission).

Conditions:
Epileptic encephalopathy. Identifiers: MedGen C0543888, HP:0200134.

Allele frequency attached by ClinVar (database versions not stated): gnomAD exomes below 0.00001; TOPMed below 0.00001; gnomAD 0.00001.

Submission:

Labcorp Genetics (formerly Invitae), Labcorp
Classification: Uncertain significance for Epileptic encephalopathy. Last evaluated: 2023-12-13. Review status: criteria provided, single submitter. Criteria: Invitae Variant Classification Sherloc (09022015). Collection method: clinical testing. Allele origin: germline.
Comment: This sequence change replaces methionine, which is neutral and non-polar, with threonine, which is neutral and polar, at codon 1030 of the FASN protein (p.Met1030Thr). This variant is not present in population databases (gnomAD no frequency). This variant has not been reported in the literature in individuals affected with FASN-related conditions. An algorithm developed to predict the effect of missense changes on protein structure and function (PolyPhen-2) suggests that this variant is likely to be tolerated. In summary, the available evidence is currently insufficient to determine the role of this variant in disease. Therefore, it has been classified as a Variant of Uncertain Significance.